The following is an entry in ClinVar:

ClinVar aggregate classification (germline): Uncertain significance. Review status: criteria provided, multiple submitters, no conflicts (2 of 4 stars). 3 submissions from 3 submitters: Uncertain significance (3). Last evaluated 2026-01-18.

Conditions:
Gastrointestinal stromal tumor. Also called: Gastrointestinal stromal tumor, somatic; Gastrointestinal stroma tumor. Identifiers: Orphanet 44890, MedGen C0238198, MeSH D046152, MONDO:0011719, OMIM 606764, HP:0100723.
Hereditary cancer-predisposing syndrome. Also called: Hereditary neoplastic syndrome; Neoplastic Syndromes, Hereditary; Hereditary Cancer Syndrome; Tumor predisposition. Identifiers: Orphanet 140162, MedGen C0027672, MeSH D009386, MONDO:0015356.

Allele frequency attached by ClinVar (database versions not stated): gnomAD exomes below 0.00001; TOPMed 0.00001.
gnomAD v4.1: 1 of 1,613,684 alleles (0.000062%); highest among the groups gnomAD compares: South Asian, 0.0011%; no homozygotes.

Submissions (3):

Labcorp Genetics (formerly Invitae), Labcorp
Classification: Uncertain significance for Gastrointestinal stromal tumor. Last evaluated: 2026-01-18. Review status: criteria provided, single submitter. Criteria: Invitae Variant Classification Sherloc (09022015). Collection method: clinical testing. Allele origin: germline.
Comment: This sequence change replaces alanine, which is neutral and non-polar, with serine, which is neutral and polar, at codon 7 of the PDGFRA protein (p.Ala7Ser). This variant is present in population databases (no rsID available, gnomAD 0.003%). This variant has not been reported in the literature in individuals affected with PDGFRA-related conditions. ClinVar contains an entry for this variant (Variation ID: 951547). An algorithm developed to predict the effect of missense changes on protein structure and function (PolyPhen-2) suggests that this variant is likely to be tolerated. In summary, the available evidence is currently insufficient to determine the role of this variant in disease. Therefore, it has been classified as a Variant of Uncertain Significance.

Ambry Genetics
Classification: Uncertain significance for Hereditary cancer-predisposing syndrome. Last evaluated: 2024-12-16. Review status: criteria provided, single submitter. Criteria: Ambry Variant Classification Scheme 2023. Collection method: clinical testing. Allele origin: germline.
Comment: The p.A7S variant (also known as c.19G>T), located in coding exon 1 of the PDGFRA gene, results from a G to T substitution at nucleotide position 19. The alanine at codon 7 is replaced by serine, an amino acid with similar properties. This amino acid position is well conserved in available vertebrate species. In addition, this alteration is predicted to be tolerated by in silico analysis. Based on the available evidence, the clinical significance of this variant remains unclear.

GeneDx
Classification: Uncertain significance. Last evaluated: 2023-11-13. Review status: criteria provided, single submitter. Criteria: GeneDx Variant Classification Process June 2021. Collection method: clinical testing. Allele origin: germline. Affected: yes.
Comment: Not observed at significant frequency in large population cohorts (gnomAD); In silico analysis supports that this missense variant does not alter protein structure/function; Has not been previously published as pathogenic or benign to our knowledge

NM_006206.6(PDGFRA):c.19G>T (p.Ala7Ser)

Gene: PDGFRA (platelet derived growth factor receptor alpha; plus strand). Cytogenetic location: 4q12.
Variant type: single nucleotide variant.
Coding change: c.19G>T on transcript NM_006206.6 (MANE Select); coding-DNA position 19, G replaced by T.
Protein change: p.Ala7Ser; replaces alanine 7 with serine.
Molecular consequence: missense variant.
Genome position (GRCh38, 1-based): chr4:54,258,787, G>T. VCF-style: chr4-54258787-G-T. GRCh37 (hg19) VCF-style: chr4-55124954-G-T.
Other names: c.19G>T, p.Ala7Ser (NM_001347827.2, NM_001347829.2); c.94G>T, p.Ala32Ser (NM_001347828.2); c.58G>T, p.Ala20Ser (NM_001347830.2); short protein forms A20S, A32S, A7S.
Identifiers: ClinVar variation 951547 (VCV000951547.12), dbSNP rs1467619698, ClinGen allele CA356888070.